The following is an entry in ClinVar:

NM_001282619.2(GNAI2):c.-96G>A

Gene: GNAI2 (G protein subunit alpha i2; plus strand). Cytogenetic location: 3p21.31.
Variant type: single nucleotide variant.
Coding change: c.-96G>A on transcript NM_001282619.2; 96 bases upstream of the start codon, G replaced by A.
Molecular consequence: 5 prime UTR variant. On other transcripts: nonsense (1).
Genome position (GRCh38, 1-based): chr3:50,227,152, G>A. VCF-style: chr3-50227152-G-A. GRCh37 (hg19) VCF-style: chr3-50264584-G-A.
Other names: c.29G>A, p.Trp10Ter (NM_001282620.2); short protein forms W10*.
Identifiers: ClinVar variation 4823743 (VCV004823743.4).

ClinVar aggregate classification (germline): Uncertain significance (1 of 4 stars; one submission).

Submission:

CeGaT Center for Human Genetics Tuebingen
Classification: Uncertain significance. Last evaluated: 2026-03-01. Review status: criteria provided, single submitter. Criteria: CeGaT Center For Human Genetics Tuebingen Variant Classification Criteria Version 2. Collection method: clinical testing. Allele origin: germline. Affected: yes. Observed: 1 variant allele.
Comment: GNAI2: PM2